The following is an entry in ClinVar:

NM_000059.4(BRCA2):c.273C>A (p.Tyr91Ter)

Gene: BRCA2 (BRCA2 DNA repair associated; plus strand). Cytogenetic location: 13q13.1.
Variant type: single nucleotide variant.
Coding change: c.273C>A on transcript NM_000059.4 (MANE Select); coding-DNA position 273, C replaced by A.
Protein change: p.Tyr91Ter; replaces tyrosine 91 with a stop codon.
Molecular consequence: nonsense.
Genome position (GRCh38, 1-based): chr13:32,319,282, C>A. VCF-style: chr13-32319282-C-A. GRCh37 (hg19) VCF-style: chr13-32893419-C-A.
Other names: short protein forms Y91*.
Identifiers: ClinVar variation 51334 (VCV000051334.5), dbSNP rs145988146, ClinGen allele CA016201.

ClinVar aggregate classification (germline): Pathogenic. Review status: reviewed by expert panel (3 of 4 stars). 2 submissions from 2 submitters: Pathogenic (1). 1 of the submissions does not count toward it. Last evaluated 2016-09-08.

Conditions:
Breast-ovarian cancer, familial, susceptibility to, 2 (BROVCA2). Also called: BRCA2 Hereditary Breast and Ovarian Cancer. Identifiers: Orphanet 145, MedGen C2675520, MONDO:0012933, OMIM 612555. Disease mechanism: loss of function.

Submissions (2):

Evidence-based Network for the Interpretation of Germline Mutant Alleles (ENIGMA)
Classification: Pathogenic for Breast-ovarian cancer, familial, susceptibility to, 2. Last evaluated: 2016-09-08. Review status: reviewed by expert panel. Criteria: ENIGMA BRCA1/2 Classification Criteria (2015). Collection method: curation. Allele origin: germline.
Comment: Variant allele predicted to encode a truncated non-functional protein.

Consortium of Investigators of Modifiers of BRCA1/2 (CIMBA), c/o University of Cambridge
Classification: Pathogenic for Breast-ovarian cancer, familial, susceptibility to, 2. Last evaluated: 2015-10-02. Review status: criteria provided, single submitter. Criteria: CIMBA Mutation Classification guidelines May 2016. Collection method: clinical testing. Allele origin: germline. Not counted in ClinVar's aggregate classification.